The following is an entry in ClinVar:

NM_000038.6(APC):c.4669A>C (p.Ile1557Leu)

Gene: APC (APC regulator of Wnt signaling pathway; plus strand). Cytogenetic location: 5q22.2.
Variant type: single nucleotide variant.
Coding change: c.4669A>C on transcript NM_000038.6 (MANE Select); coding-DNA position 4669, A replaced by C.
Protein change: p.Ile1557Leu; replaces isoleucine 1557 with leucine.
Molecular consequence: missense variant.
Genome position (GRCh38, 1-based): chr5:112,840,263, A>C. VCF-style: chr5-112840263-A-C. GRCh37 (hg19) VCF-style: chr5-112175960-A-C.
Other names: c.4669A>C, p.Ile1557Leu (NM_001127510.3, NM_001354895.2, NM_001407450.1); c.4615A>C, p.Ile1539Leu (NM_001127511.3); c.4723A>C, p.Ile1575Leu (NM_001354896.2, NM_001407447.1, NM_001407448.1 and 1 more transcripts); c.4699A>C, p.Ile1567Leu (NM_001354897.2); c.4594A>C, p.Ile1532Leu (NM_001354898.2); c.4585A>C, p.Ile1529Leu (NM_001354899.2); c.4546A>C, p.Ile1516Leu (NM_001354900.2); c.4492A>C, p.Ile1498Leu (NM_001354901.2, NM_001407453.1); and 11 more; short protein forms I1428L, I1466L, I1547L, I1173L, I1397L, I1431L, I1516L, I1456L.
Identifiers: ClinVar variation 1742291 (VCV001742291.2), dbSNP rs763578917, ClinGen allele CA16031566.
Genomic context (GRCh38, chr5:112,840,263, plus strand): 5'-ACAGAATCAGAGCAGCCTAAAGAATCAAATGAAAACCAAGAGAAAGAGGCAGAAAAAACT[A>C]TTGATTCTGAAAAGGACCTATTAGATGATTCAGATGATGATGATATTGAAATACTAGAAG-3'
Protein context (NP_000029.2, residues 1547-1567): ENQEKEAEKT[Ile1557Leu]DSEKDLLDDS

ClinVar aggregate classification (germline): Uncertain significance (1 of 4 stars; one submission).

Conditions:
Hereditary cancer-predisposing syndrome. Also called: Hereditary Cancer Syndrome; Hereditary neoplastic syndrome; Neoplastic Syndromes, Hereditary; Tumor predisposition. Identifiers: Orphanet 140162, MedGen C0027672, MeSH D009386, MONDO:0015356.

Submission:

Ambry Genetics
Classification: Uncertain significance for Hereditary cancer-predisposing syndrome. Last evaluated: 2021-06-22. Review status: criteria provided, single submitter. Criteria: Ambry Variant Classification Scheme 2023. Collection method: clinical testing. Allele origin: germline.
Comment: The p.I1557L variant (also known as c.4669A>C), located in coding exon 15 of the APC gene, results from an A to C substitution at nucleotide position 4669. The isoleucine at codon 1557 is replaced by leucine, an amino acid with highly similar properties. This amino acid position is poorly conserved in available vertebrate species. In addition, in silico predictors for this gene do not accurately predict pathogenicity. Since supporting evidence is limited at this time, the clinical significance of this alteration remains unclear.